The following is an entry in ClinVar:

ClinVar aggregate classification (germline): Uncertain significance (1 of 4 stars; one submission).

Conditions:
Chédiak-Higashi syndrome (CHS). Also called: Chediak-Higashi Syndrome. Identifiers: Orphanet 167, MedGen C0007965, MONDO:0008963, OMIM 214500.

Submission:

Labcorp Genetics (formerly Invitae), Labcorp
Classification: Uncertain significance for Chédiak-Higashi syndrome. Last evaluated: 2026-01-06. Review status: criteria provided, single submitter. Criteria: Invitae Variant Classification Sherloc (09022015). Collection method: clinical testing. Allele origin: germline.
Comment: This sequence change replaces serine, which is neutral and polar, with proline, which is neutral and non-polar, at codon 2719 of the LYST protein (p.Ser2719Pro). This variant is present in population databases (no rsID available, gnomAD 0.007%). This variant has not been reported in the literature in individuals affected with LYST-related conditions. Invitae Evidence Modeling of protein sequence and biophysical properties (such as structural, functional, and spatial information, amino acid conservation, physicochemical variation, residue mobility, and thermodynamic stability) indicates that this missense variant is not expected to disrupt LYST protein function with a negative predictive value of 80%. In summary, the available evidence is currently insufficient to determine the role of this variant in disease. Therefore, it has been classified as a Variant of Uncertain Significance.

NM_000081.4(LYST):c.8155T>C (p.Ser2719Pro)

Gene: LYST (lysosomal trafficking regulator; minus strand). Cytogenetic location: 1q42.3.
Variant type: single nucleotide variant.
Coding change: c.8155T>C on transcript NM_000081.4 (MANE Select); coding-DNA position 8155, T replaced by C.
Protein change: p.Ser2719Pro; replaces serine 2719 with proline.
Molecular consequence: missense variant.
Genome position (GRCh38, 1-based): chr1:235,741,625, A>G on the plus strand (T>C on the coding strand, the complement: LYST is on the minus strand). VCF-style: chr1-235741625-A-G. GRCh37 (hg19) VCF-style: chr1-235904925-A-G.
Other names: c.8155T>C, p.Ser2719Pro (NM_001301365.1); short protein forms S2719P.
Identifiers: ClinVar variation 4701612 (VCV004701612.1).